The following is an entry in ClinVar:

ClinVar aggregate classification (germline): Likely benign. Review status: criteria provided, multiple submitters, no conflicts (2 of 4 stars). 2 submissions from 2 submitters: Likely benign (2). Last evaluated 2024-04-16.

Conditions:
Wilson disease (WND). Also called: Wilson's disease. Identifiers: Orphanet 905, MedGen C0019202, MONDO:0010200, OMIM 277900. Disease mechanism: loss of function.

Allele frequency attached by ClinVar (database versions not stated): gnomAD exomes below 0.00001; TOPMed below 0.00001.
gnomAD v4.1: 1 of 1,612,182 alleles (0.000062%); highest among the groups gnomAD compares: Non-Finnish European, 0.000085%; no homozygotes.

Submissions (2):

All of Us Research Program, National Institutes of Health
Classification: Likely benign for Wilson disease. Last evaluated: 2024-04-16. Review status: criteria provided, single submitter. Criteria: ACMG Guidelines, 2015. Collection method: clinical testing. Allele origin: germline. Inheritance: Autosomal recessive inheritance. Observed: 1 variant allele, 1 heterozygote.
Comment: This study involves interpretation of variants in research participants for the purpose of population health screening. Participant phenotype was not available at the time of variant classification. Additional details can be found in publication PMID: 35346344, PMCID: PMC8962531

Labcorp Genetics (formerly Invitae), Labcorp
Classification: Likely benign for Wilson disease. Last evaluated: 2023-09-03. Review status: criteria provided, single submitter. Criteria: Invitae Variant Classification Sherloc (09022015). Collection method: clinical testing. Allele origin: germline.

NM_000053.4(ATP7B):c.2356-12G>A

Gene: ATP7B (ATPase copper transporting beta; minus strand). Cytogenetic location: 13q14.3.
Variant type: single nucleotide variant.
Coding change: c.2356-12G>A on transcript NM_000053.4 (MANE Select); 12 bases into the intron before coding-DNA position 2356, G replaced by A.
Molecular consequence: intron variant.
Genome position (GRCh38, 1-based): chr13:51,957,619, C>T on the plus strand (G>A on the coding strand, the complement: ATP7B is on the minus strand). VCF-style: chr13-51957619-C-T. GRCh37 (hg19) VCF-style: chr13-52531755-C-T.
Other names: c.2356-12G>A (NM_001406525.1, NM_001406523.1, NM_001406526.1 and 7 more transcripts); c.2260-12G>A (NM_001406518.1, NM_001406517.1); c.2122-12G>A (NM_001330578.2, NM_001406527.1, NM_001406534.1 and 2 more transcripts); c.2212-12G>A (NM_001406520.1, NM_001406522.1, NM_001406537.1 and 1 more transcripts); c.1870-12G>A (NM_001406541.1, NM_001005918.3, NM_001406546.1 and 1 more transcripts); c.2104-12G>A (NM_001406531.1, NM_001406532.1, NM_001406540.1 and 1 more transcripts); c.2023-12G>A (NM_001243182.2); c.1286-7458G>A (NM_001406548.1); and 8 more.
Identifiers: ClinVar variation 2800044 (VCV002800044.4), dbSNP rs1958439901, ClinGen allele CA2091549218.